The following is an entry in ClinVar:

ClinVar aggregate classification (germline): Benign/Likely benign. Review status: criteria provided, multiple submitters, no conflicts (2 of 4 stars). 5 submissions from 5 submitters: Benign (2); Likely benign (2). 1 of the submissions does not count toward it. Last evaluated 2026-02-02.

Conditions:
SURF1-related disorder. Also called: SURF1-related condition.
Leigh syndrome (NULS). Also called: Leigh Disease; Subacute necrotizing encephalopathy; Necrotizing encephalopathy infantile subacute of Leigh; Leigh's necrotizing encephalopathy; Leigh's disease; Leigh Syndrome (mtDNA deletion). Identifiers: Orphanet 506, MedGen C2931891, MONDO:0009723, OMIM 256000.

Allele frequency attached by ClinVar (database versions not stated): gnomAD exomes 0.00042 and 0.00119; ExAC 0.00152; gnomAD 0.00385; TOPMed 0.00440; ESP Exome Variant Server 0.00569; 1000 Genomes Project 30x 0.00609; 1000 Genomes Project 0.00619.

Submissions (5):

Labcorp Genetics (formerly Invitae), Labcorp
Classification: Benign for Leigh syndrome. Last evaluated: 2026-02-02. Review status: criteria provided, single submitter. Criteria: Invitae Variant Classification Sherloc (09022015). Collection method: clinical testing. Allele origin: germline.

GeneDx
Classification: Benign. Last evaluated: 2018-01-19. Review status: criteria provided, single submitter. Criteria: GeneDx Variant Classification (06012015). Collection method: clinical testing. Allele origin: germline. Affected: yes.
Comment: This variant is considered likely benign or benign based on one or more of the following criteria: it is a conservative change, it occurs at a poorly conserved position in the protein, it is predicted to be benign by multiple in silico algorithms, and/or has population frequency not consistent with disease.

Women's Health and Genetics/Laboratory Corporation of America, LabCorp
Classification: Likely benign. Last evaluated: 2017-02-17. Review status: criteria provided, single submitter. Criteria: LabCorp Variant Classification Summary - May 2015. Collection method: clinical testing. Allele origin: germline.
Comment: Variant summary: The c.883C>T (p.Arg295Cys) in SURF1 gene is a missense change that involves a non-conserved nucleotide and 2/4 in silico tools predict benign outcome. The variant is located outside of any known functional domain and no functional studies confirming deleterious effect of this change have been reported at the time of evaluation. The variant is present in the control population dataset of ExAC at a frequency of 0.001516 (173/114150 chrs tested), predominantly in individuals of African descent (0.01761; 166/9424 chrs tested, including 2 homozygotes. The observed frequency exceed the maximum expected allele frequency for a pathogenic variant of 0.00176. The variant is present in a control population dataset of gnomAD at a frequency of 0.001517 (428/282054 chrs), mainly in individuals of African origin: 0.015 (406/25770 chrs, including 7 homozygotes). This data suggest that the variant of interest may be an ethnic-specific polymorphism. The variant has not, to our knowledge, been reported in affected individuals via published reports or cited by reputable databases/clinical laboratories. Taking together, the variant was classified as Likely Benign.

Breakthrough Genomics
Classification: Likely benign. Review status: criteria provided, single submitter. Criteria: ACMG Guidelines, 2015. Collection method: not provided. Allele origin: germline. Inheritance: Autosomal recessive inheritance. Affected: yes.

PreventionGenetics, part of Exact Sciences
Classification: Benign for SURF1-related condition. Last evaluated: 2019-04-22. Review status: no assertion criteria provided. Collection method: clinical testing. Allele origin: germline. Not counted in ClinVar's aggregate classification.
Comment: This variant is classified as benign based on ACMG/AMP sequence variant interpretation guidelines (Richards et al. 2015 PMID: 25741868, with internal and published modifications).

NM_003172.4(SURF1):c.883C>T (p.Arg295Cys)

Gene: SURF1 (SURF1 cytochrome c oxidase assembly factor; minus strand). Cytogenetic location: 9q34.2.
Variant type: single nucleotide variant.
Coding change: c.883C>T on transcript NM_003172.4 (MANE Select); coding-DNA position 883, C replaced by T.
Protein change: p.Arg295Cys; replaces arginine 295 with cysteine.
Molecular consequence: missense variant.
Genome position (GRCh38, 1-based): chr9:133,351,933, G>A on the plus strand (C>T on the coding strand, the complement: SURF1 is on the minus strand). VCF-style: chr9-133351933-G-A. GRCh37 (hg19) VCF-style: chr9-136218788-G-A.
Other names: c.556C>T, p.Arg186Cys (NM_001280787.1); short protein forms R295C, R186C.
Identifiers: ClinVar variation 379683 (VCV000379683.16), dbSNP rs147312193, ClinGen allele CA16605399.